The following is an entry in ClinVar:

ClinVar aggregate classification (germline): Uncertain significance (1 of 4 stars; one submission).

gnomAD v4.1: 3 of 1,610,718 alleles (0.00019%); highest among the groups gnomAD compares: Non-Finnish European, 0.00025%; no homozygotes.

Submission:

Women's Health and Genetics/Laboratory Corporation of America, LabCorp
Classification: Uncertain significance. Last evaluated: 2025-07-17. Review status: criteria provided, single submitter. Criteria: LabCorp Variant Classification Summary - May 2015. Collection method: clinical testing. Allele origin: germline.
Comment: Variant summary: ADGRV1 c.12319C>T (p.Leu4107Phe) results in a non-conservative amino acid change in the encoded protein sequence. Algorithms developed to predict the effect of missense changes on protein structure and function are either unavailable or do not agree on the potential impact of this missense change. The variant was absent in 248170 control chromosomes (gnomAD). The available data on variant occurrences in the general population are insufficient to allow any conclusion about variant significance. To our knowledge, no occurrence of c.12319C>T in individuals affected with ADGRV1-Related Disorders and no experimental evidence demonstrating its impact on protein function have been reported. No submitters have cited clinical-significance assessments for this variant to ClinVar. Based on the evidence outlined above, the variant was classified as uncertain significance.

NM_032119.4(ADGRV1):c.12319C>T (p.Leu4107Phe)

Gene: ADGRV1 (adhesion G protein-coupled receptor V1; plus strand). Cytogenetic location: 5q14.3.
Variant type: single nucleotide variant.
Coding change: c.12319C>T on transcript NM_032119.4 (MANE Select); coding-DNA position 12319, C replaced by T.
Protein change: p.Leu4107Phe; replaces leucine 4107 with phenylalanine.
Molecular consequence: missense variant. On other transcripts: non-coding transcript variant (1).
Genome position (GRCh38, 1-based): chr5:90,774,219, C>T. VCF-style: chr5-90774219-C-T. GRCh37 (hg19) VCF-style: chr5-90070036-C-T.
Other names: short protein forms L4107F.
Identifiers: ClinVar variation 4525805 (VCV004525805.1).